The following is an entry in ClinVar:

NM_005157.6(ABL1):c.2429C>T (p.Pro810Leu)

Gene: ABL1 (ABL proto-oncogene 1, non-receptor tyrosine kinase; plus strand). Cytogenetic location: 9q34.12.
Variant type: single nucleotide variant.
Coding change: c.2429C>T on transcript NM_005157.6 (MANE Select); coding-DNA position 2429, C replaced by T.
Protein change: p.Pro810Leu; replaces proline 810 with leucine.
Molecular consequence: missense variant.
Genome position (GRCh38, 1-based): chr9:130,884,719, C>T. VCF-style: chr9-130884719-C-T. GRCh37 (hg19) VCF-style: chr9-133760106-C-T.
Other names: c.2486C>T, p.Pro829Leu (NM_007313.3); short protein forms P810L, P829L.
Identifiers: ClinVar variation 133440 (VCV000133440.36), dbSNP rs2229071, ClinGen allele CA156530.

ClinVar aggregate classification (germline): Benign/Likely benign. Review status: criteria provided, multiple submitters, no conflicts (2 of 4 stars). 5 submissions from 5 submitters: Benign (2); Likely benign (2). 1 of the submissions does not count toward it. Last evaluated 2026-07-01.

Allele frequency attached by ClinVar (database versions not stated): 1000 Genomes Project 30x 0.00219; 1000 Genomes Project 0.00220; gnomAD 0.00450; TOPMed 0.00470; gnomAD exomes 0.00538 and 0.00676; ExAC 0.00557; ESP Exome Variant Server 0.00662.
gnomAD v4.1: 10,564 of 1,612,558 alleles (0.66%); highest among the groups gnomAD compares: Non-Finnish European, 0.76%; 46 homozygotes.

Submissions (5):

CeGaT Center for Human Genetics Tuebingen
Classification: Likely benign. Last evaluated: 2026-07-01. Review status: criteria provided, single submitter. Criteria: CeGaT Center For Human Genetics Tuebingen Variant Classification Criteria Version 2. Collection method: clinical testing. Allele origin: germline. Affected: yes. Observed: 9 variant alleles.
Comment: ABL1: BS2

Labcorp Genetics (formerly Invitae), Labcorp
Classification: Benign. Last evaluated: 2026-02-03. Review status: criteria provided, single submitter. Criteria: Invitae Variant Classification Sherloc (09022015). Collection method: clinical testing. Allele origin: germline.

Blueprint Genetics
Classification: Likely benign. Last evaluated: 2024-11-26. Review status: criteria provided, single submitter. Criteria: ACMG Guidelines, 2015. Collection method: clinical testing. Allele origin: germline.

Breakthrough Genomics
Classification: Benign. Review status: criteria provided, single submitter. Criteria: ACMG Guidelines, 2015. Collection method: not provided. Allele origin: germline. Inheritance: Autosomal dominant inheritance. Affected: yes.

ITMI
No classification provided. Condition: AllHighlyPenetrant. Last evaluated: 2013-09-19. Review status: no classification provided. Collection method: reference population. Allele origin: germline. Not counted in ClinVar's aggregate classification.
Comment: Please see associated publication for description of ethnicities

Literature cited by the submitters: PubMed 24728327 (cited by ITMI).